The following is an entry in ClinVar:

NM_001374736.1(DST):c.15825T>C (p.Phe5275=)

Gene: DST (dystonin; minus strand). Cytogenetic location: 6p12.1.
Variant type: single nucleotide variant.
Coding change: c.15825T>C on transcript NM_001374736.1 (MANE Select); coding-DNA position 15825, T replaced by C.
Protein change: p.Phe5275=; no amino-acid change (phenylalanine 5275 retained).
Molecular consequence: synonymous variant.
Genome position (GRCh38, 1-based): chr6:56,552,967, A>G on the plus strand (T>C on the coding strand, the complement: DST is on the minus strand). VCF-style: chr6-56552967-A-G. GRCh37 (hg19) VCF-style: chr6-56417765-A-G.
Other names: c.8934T>C, p.Phe2978= (NM_183380.4, NM_001374730.1, NM_001386100.1); c.15852T>C, p.Phe5284= (NM_001374734.1); c.7956T>C, p.Phe2652= (NM_015548.5); c.9468T>C, p.Phe3156= (NM_001144769.5); c.9054T>C, p.Phe3018= (NM_001144770.2); c.15825T>C, p.Phe5275= (NM_001374722.1); c.15192T>C, p.Phe5064= (NM_001374729.1); c.9468T>C (NM_001144769.2).
Identifiers: ClinVar variation 1087492 (VCV001087492.11), dbSNP rs770973190, ClinGen allele CA3867766.
Genomic context (GRCh38, chr6:56,552,967, plus strand): 5'-CTGCTCCTTTGCACACTGAAGCTGCCTTTTAGATTCTTTGGAAACTTCTTGAAATTCTTT[A>G]AACTTCTGAGTCATGTTCTCCAGACAGAATTTCTTACTGTGAAGTTGTTCAGTGACCATG-3'
Protein context (NP_001361665.1, residues 5265-5285): KFCLENMTQK[Phe5275=]KEFQEVSKES

ClinVar aggregate classification (germline): Likely benign. Review status: criteria provided, multiple submitters, no conflicts (2 of 4 stars). 3 submissions from 3 submitters: Likely benign (3). Last evaluated 2025-12-21.

Conditions:
DST-related disorder. Also called: DST-related condition; DST-related disorders.
Hereditary sensory and autonomic neuropathy type 6. Also called: HSAN VI; Neuropathy, hereditary sensory and autonomic, type VI. Identifiers: Orphanet 314381, MedGen C3539003, MONDO:0013839, OMIM 614653.
Epidermolysis bullosa simplex 3, localized or generalized intermediate, with BP230 deficiency (EBS3). Also called: Epidermolysis bullosa simplex, autosomal recessive 2; Epidermolysis bullosa simplex due to BP230 deficiency. Identifiers: Orphanet 412181, MedGen C3809470, MONDO:0014180, OMIM 615425.

Allele frequency attached by ClinVar (database versions not stated): ExAC 0.00002; gnomAD 0.00002; gnomAD exomes 0.00002; TOPMed 0.00003.
gnomAD v4.1: 142 of 1,613,846 alleles (0.0088%); highest among the groups gnomAD compares: Non-Finnish European, 0.012%; no homozygotes.

Submissions (3):

PreventionGenetics, part of Exact Sciences
Classification: Likely benign for DST-related condition. Last evaluated: 2025-12-21. Review status: criteria provided, single submitter. Criteria: ACMG Guidelines, 2015. Collection method: clinical testing. Allele origin: germline.
Comment: This variant is classified as likely benign based on ACMG/AMP sequence variant interpretation guidelines (Richards et al. 2015 PMID: 25741868, with internal and published modifications).

Labcorp Genetics (formerly Invitae), Labcorp
Classification: Likely benign for Epidermolysis bullosa simplex 3, localized or generalized intermediate, with BP230 deficiency; Hereditary sensory and autonomic neuropathy type 6. Last evaluated: 2024-10-13. Review status: criteria provided, single submitter. Criteria: Invitae Variant Classification Sherloc (09022015). Collection method: clinical testing. Allele origin: germline.

Breakthrough Genomics
Classification: Likely benign. Review status: criteria provided, single submitter. Criteria: ACMG Guidelines, 2015. Collection method: not provided. Allele origin: germline. Inheritance: Autosomal recessive inheritance. Affected: yes.